The following is an entry in ClinVar:

NM_001165963.4(SCN1A):c.3663G>C (p.Glu1221Asp)

Genes: SCN1A (sodium voltage-gated channel alpha subunit 1; minus strand), LOC102724058 (uncharacterized LOC102724058; plus strand). Cytogenetic location: 2q24.3.
Variant type: single nucleotide variant.
Coding change: c.3663G>C on transcript NM_001165963.4 (MANE Select); coding-DNA position 3663, G replaced by C.
Protein change: p.Glu1221Asp; replaces glutamic acid 1221 with aspartic acid.
Molecular consequence: missense variant. On other transcripts: non-coding transcript variant (1).
Genome position (GRCh38, 1-based): chr2:166,013,786, C>G on the plus strand (G>C on the coding strand, the complement: SCN1A is on the minus strand). VCF-style: chr2-166013786-C-G. GRCh37 (hg19) VCF-style: chr2-166870296-C-G.
Other names: c.3627G>C, p.Glu1209Asp (NM_001353955.2, NM_001353954.2); c.3579G>C, p.Glu1193Asp (NM_001353957.2, NM_001353958.2, NM_001165964.3); c.3576G>C, p.Glu1192Asp (NM_001353960.2); c.1221G>C, p.Glu407Asp (NM_001353961.2); c.3630G>C, p.Glu1210Asp (NM_006920.6, NM_001353949.2, NM_001353950.2 and 2 more transcripts); c.3663G>C, p.Glu1221Asp (NM_001202435.3, NM_001353948.2); short protein forms E1209D, E407D, E1210D, E1221D, E1192D, E1193D.
Identifiers: ClinVar variation 2703456 (VCV002703456.3), dbSNP rs2468531246, ClinGen allele CA349055909.

ClinVar aggregate classification (germline): Likely pathogenic (1 of 4 stars; one submission).

Conditions:
Early-infantile DEE. Also called: Ohtahara syndrome; Early infantile epileptic encephalopathy with suppression bursts; Early infantile epileptic encephalopathy. Identifiers: Orphanet 1934, MedGen C0393706, MONDO:0800491.

Submission:

Labcorp Genetics (formerly Invitae), Labcorp
Classification: Likely pathogenic for Early-infantile DEE. Last evaluated: 2023-06-09. Review status: criteria provided, single submitter. Criteria: Invitae Variant Classification Sherloc (09022015). Collection method: clinical testing. Allele origin: germline.
Comment: In summary, the currently available evidence indicates that the variant is pathogenic, but additional data are needed to prove that conclusively. Therefore, this variant has been classified as Likely Pathogenic. This variant disrupts the p.Glu1221 amino acid residue in SCN1A. Other variant(s) that disrupt this residue have been determined to be pathogenic (PMID: 21248271; Invitae). This suggests that this residue is clinically significant, and that variants that disrupt this residue are likely to be disease-causing. Advanced modeling of protein sequence and biophysical properties (such as structural, functional, and spatial information, amino acid conservation, physicochemical variation, residue mobility, and thermodynamic stability) performed at Invitae indicates that this missense variant is expected to disrupt SCN1A protein function. This variant has not been reported in the literature in individuals affected with SCN1A-related conditions. This variant is not present in population databases (gnomAD no frequency). This sequence change replaces glutamic acid, which is acidic and polar, with aspartic acid, which is acidic and polar, at codon 1221 of the SCN1A protein (p.Glu1221Asp).

Literature cited by the submitters: PubMed 21248271.